The following is an entry in ClinVar:

ClinVar aggregate classification (germline): Pathogenic (1 of 4 stars; one submission).

Submission:

GeneDx
Classification: Pathogenic. Last evaluated: 2018-05-29. Review status: criteria provided, single submitter. Criteria: GeneDx Variant Classification (06012015). Collection method: clinical testing. Allele origin: germline. Affected: yes.
Comment: The C646X nonsense variant in the TSC2 gene is predicted to cause loss of normal protein function either through protein truncation or nonsense-mediated mRNA decay. The C646X variant is not observed in large population cohorts (Lek et al., 2016).

NM_000548.5(TSC2):c.1938C>A (p.Cys646Ter)

Gene: TSC2 (TSC complex subunit 2; plus strand). Cytogenetic location: 16p13.3.
Variant type: single nucleotide variant.
Coding change: c.1938C>A on transcript NM_000548.5 (MANE Select); coding-DNA position 1938, C replaced by A.
Protein change: p.Cys646Ter; replaces cysteine 646 with a stop codon.
Molecular consequence: nonsense.
Genome position (GRCh38, 1-based): chr16:2,071,608, C>A. VCF-style: chr16-2071608-C-A. GRCh37 (hg19) VCF-style: chr16-2121609-C-A.
Other names: c.1938C>A, p.Cys646Ter (NM_001077183.3, NM_001114382.3, NM_001363528.2 and 3 more transcripts); c.1827C>A, p.Cys609Ter (NM_001318827.2); c.1791C>A, p.Cys597Ter (NM_001318829.2); c.1338C>A, p.Cys446Ter (NM_001318831.2); c.1971C>A, p.Cys657Ter (NM_001318832.2); short protein forms C646*, C446*, C657*, C597*, C609*.
Identifiers: ClinVar variation 620215 (VCV000620215.1), dbSNP rs745414854, ClinGen allele CA394273366.
Genomic context (GRCh38, chr16:2,071,608, plus strand): 5'-GCACCGCCTGGGCCTGCCCAACAAGGATGGAGTCGTGCGGTTCAGCCCCTACTGCGTCTG[C>A]GACTACATGTACGCGGGACCTCGCCCACGGCCCATGAGGCTCAGGGCGTCAGAGGCGCTG-3'